The following is an entry in ClinVar:

ClinVar aggregate classification (germline): Uncertain significance. Review status: criteria provided, multiple submitters, no conflicts (2 of 4 stars). 2 submissions from 2 submitters: Uncertain significance (2). Last evaluated 2025-03-19.

Allele frequency attached by ClinVar (database versions not stated): gnomAD exomes 0.00001; gnomAD 0.00002; TOPMed 0.00006.
gnomAD v4.1: 24 of 1,613,942 alleles (0.0015%); highest among the groups gnomAD compares: Non-Finnish European, 0.0019%; no homozygotes.

Submissions (2):

Labcorp Genetics (formerly Invitae), Labcorp
Classification: Uncertain significance. Last evaluated: 2025-03-19. Review status: criteria provided, single submitter. Criteria: Invitae Variant Classification Sherloc (09022015). Collection method: clinical testing. Allele origin: germline.
Comment: This sequence change replaces threonine, which is neutral and polar, with serine, which is neutral and polar, at codon 113 of the CETP protein (p.Thr113Ser). This variant is present in population databases (no rsID available, gnomAD 0.004%). This variant has not been reported in the literature in individuals affected with CETP-related conditions. ClinVar contains an entry for this variant (Variation ID: 2076689). An algorithm developed to predict the effect of missense changes on protein structure and function outputs the following: PolyPhen-2: "Benign". The serine amino acid residue is found in multiple mammalian species, which suggests that this missense change does not adversely affect protein function. In summary, the available evidence is currently insufficient to determine the role of this variant in disease. Therefore, it has been classified as a Variant of Uncertain Significance.

Ambry Genetics
Classification: Uncertain significance. Last evaluated: 2024-08-05. Review status: criteria provided, single submitter. Criteria: Ambry Variant Classification Scheme 2023. Collection method: clinical testing. Allele origin: germline.

NM_000078.3(CETP):c.337A>T (p.Thr113Ser)

Gene: CETP (cholesteryl ester transfer protein; plus strand). Cytogenetic location: 16q13.
Variant type: single nucleotide variant.
Coding change: c.337A>T on transcript NM_000078.3 (MANE Select); coding-DNA position 337, A replaced by T.
Protein change: p.Thr113Ser; replaces threonine 113 with serine.
Molecular consequence: missense variant.
Genome position (GRCh38, 1-based): chr16:56,969,489, A>T. VCF-style: chr16-56969489-A-T. GRCh37 (hg19) VCF-style: chr16-57003401-A-T.
Other names: c.337A>T (NM_000078.2); c.337A>T, p.Thr113Ser (NM_001286085.2); short protein forms T113S.
Identifiers: ClinVar variation 2076689 (VCV002076689.5), dbSNP rs921684117, ClinGen allele CA281521715.